The following is an entry in ClinVar:

NM_002160.4(TNC):c.4201G>T (p.Ala1401Ser)

Gene: TNC (tenascin C; minus strand). Cytogenetic location: 9q33.1.
Variant type: single nucleotide variant.
Coding change: c.4201G>T on transcript NM_002160.4 (MANE Select); coding-DNA position 4201, G replaced by T.
Protein change: p.Ala1401Ser; replaces alanine 1401 with serine.
Molecular consequence: missense variant.
Genome position (GRCh38, 1-based): chr9:115,059,835, C>A on the plus strand (G>T on the coding strand, the complement: TNC is on the minus strand). VCF-style: chr9-115059835-C-A. GRCh37 (hg19) VCF-style: chr9-117822114-C-A.
Other names: c.3928G>T, p.Ala1310Ser (NM_001410991.1); short protein forms A1401S, A1310S.
Identifiers: ClinVar variation 3971257 (VCV003971257.2).

ClinVar aggregate classification (germline): Conflicting classifications of pathogenicity. Review status: criteria provided, conflicting classifications (1 of 4 stars). 2 submissions from 2 submitters: Uncertain significance (1); Likely benign (1). Last evaluated 2025-05-19.

Conditions:
TNC-related disorder. Also called: TNC-related condition.

gnomAD v4.1: 29 of 1,613,992 alleles (0.0018%); highest among the groups gnomAD compares: Admixed American, 0.048%; no homozygotes.

Submissions (2):

Ambry Genetics
Classification: Uncertain significance. Last evaluated: 2025-05-19. Review status: criteria provided, single submitter. Criteria: Ambry Variant Classification Scheme 2023. Collection method: clinical testing. Allele origin: germline.

PreventionGenetics, part of Exact Sciences
Classification: Likely benign for TNC-related condition. Last evaluated: 2024-11-21. Review status: criteria provided, single submitter. Criteria: ACMG Guidelines, 2015. Collection method: clinical testing. Allele origin: germline.
Comment: This variant is classified as likely benign based on ACMG/AMP sequence variant interpretation guidelines (Richards et al. 2015 PMID: 25741868, with internal and published modifications).